The following is an entry in ClinVar:

NM_015450.3(POT1):c.1461C>A (p.Asp487Glu)

Gene: POT1 (protection of telomeres 1; minus strand). Cytogenetic location: 7q31.33.
Variant type: single nucleotide variant.
Coding change: c.1461C>A on transcript NM_015450.3 (MANE Select); coding-DNA position 1461, C replaced by A.
Protein change: p.Asp487Glu; replaces aspartic acid 487 with glutamic acid.
Molecular consequence: missense variant. On other transcripts: non-coding transcript variant (3).
Genome position (GRCh38, 1-based): chr7:124,835,323, G>T on the plus strand (C>A on the coding strand, the complement: POT1 is on the minus strand). VCF-style: chr7-124835323-G-T. GRCh37 (hg19) VCF-style: chr7-124475377-G-T.
Other names: c.1068C>A, p.Asp356Glu (NM_001042594.2); short protein forms D356E, D487E.
Identifiers: ClinVar variation 4862376 (VCV004862376.1).

ClinVar aggregate classification (germline): Uncertain significance (1 of 4 stars; one submission).

Conditions:
Hereditary cancer-predisposing syndrome. Also called: Neoplastic Syndromes, Hereditary; Tumor predisposition; Hereditary Cancer Syndrome; Hereditary neoplastic syndrome. Identifiers: Orphanet 140162, MedGen C0027672, MeSH D009386, MONDO:0015356.

Submission:

Ambry Genetics
Classification: Uncertain significance for Hereditary cancer-predisposing syndrome. Last evaluated: 2026-03-16. Review status: criteria provided, single submitter. Criteria: Ambry Variant Classification Scheme 2023. Collection method: clinical testing. Allele origin: germline.
Comment: The p.D487E variant (also known as c.1461C>A), located in coding exon 11 of the POT1 gene, results from a C to A substitution at nucleotide position 1461. The aspartic acid at codon 487 is replaced by glutamic acid, an amino acid with highly similar properties. This amino acid position is conserved. In addition, this alteration is predicted to be tolerated by in silico analysis. Based on the available evidence, the clinical significance of this variant remains unclear.